The following is an entry in ClinVar:

NM_019098.5(CNGB3):c.391C>T (p.Gln131Ter)

Gene: CNGB3 (cyclic nucleotide gated channel subunit beta 3; minus strand). Cytogenetic location: 8q21.3.
Variant type: single nucleotide variant.
Coding change: c.391C>T on transcript NM_019098.5 (MANE Select); coding-DNA position 391, C replaced by T.
Protein change: p.Gln131Ter; replaces glutamine 131 with a stop codon.
Molecular consequence: nonsense.
Genome position (GRCh38, 1-based): chr8:86,671,046, G>A on the plus strand (C>T on the coding strand, the complement: CNGB3 is on the minus strand). VCF-style: chr8-86671046-G-A. GRCh37 (hg19) VCF-style: chr8-87683274-G-A.
Other names: short protein forms Q131*.
Identifiers: ClinVar variation 188822 (VCV000188822.20), dbSNP rs786204492, ClinGen allele CA274001.
Genomic context (GRCh38, chr8:86,671,046, plus strand): 5'-CCAACTTTTTCTTGTAGAGGGCTGTTCTTTGACGCATTCTTTTCACCAGGTTGTGTAGCT[G>A]GGCATCGGCATACTCATTTATAACAGGAGCTGCAGGCGGTTTGTTTTGTGGGCTAAATGA-3'

ClinVar aggregate classification (germline): Pathogenic. Review status: criteria provided, multiple submitters, no conflicts (2 of 4 stars). 8 submissions from 8 submitters: Pathogenic (6). 2 of the submissions do not count toward it. Last evaluated 2026-05-27.

Conditions:
CNGB3-related disorder. Also called: CNGB3-related disorders; CNGB3-related condition. Identifiers: MedGen CN239340.
Achromatopsia. Also called: Rod monochromatism. Identifiers: Orphanet 49382, MedGen C0152200, MONDO:0018852, HP:0011516.
Achromatopsia 3 (ACHM3). Also called: TOTAL COLORBLINDNESS WITH MYOPIA; ROD MONOCHROMACY 1; ROD MONOCHROMATISM 1; ACHROMATOPSIA WITH MYOPIA; PINGELAPESE BLINDNESS. Identifiers: Orphanet 49382, MedGen C1849792, MONDO:0009875, OMIM 262300.

Allele frequency attached by ClinVar (database versions not stated): gnomAD exomes below 0.00001; TOPMed below 0.00001.
gnomAD v4.1: 3 of 1,613,876 alleles (0.00019%); highest among the groups gnomAD compares: Admixed American, 0.0033%; no homozygotes.

Submissions (8):

PreventionGenetics, part of Exact Sciences
Classification: Pathogenic for CNGB3-related condition. Last evaluated: 2026-05-27. Review status: criteria provided, single submitter. Criteria: ACMG Guidelines, 2015. Collection method: clinical testing. Allele origin: germline.
Comment: The CNGB3 c.391C>T variant is predicted to result in premature protein termination (p.Gln131*). This variant has been reported in the homozygous and compound heterozygous states in individuals with achromatopsia (Kellner et al. 2004. PubMed ID: 15459792; Nishiguchi et al. 2005. PubMed ID: 15712225; Mayer et al. 2017. PubMed ID: 28795510). This variant is present in 1 heterozygous individual within the 'other' subpopulation in gnomAD (not reported in table above). Nonsense variants in CNGB3 are an established mechanism of disease. This variant is interpreted as pathogenic.

Labcorp Genetics (formerly Invitae), Labcorp
Classification: Pathogenic. Last evaluated: 2026-01-26. Review status: criteria provided, single submitter. Criteria: Invitae Variant Classification Sherloc (09022015). Collection method: clinical testing. Allele origin: germline.
Comment: This sequence change creates a premature translational stop signal (p.Gln131*) in the CNGB3 gene. It is expected to result in an absent or disrupted protein product. Loss-of-function variants in CNGB3 are known to be pathogenic (PMID: 28795510). This variant is present in population databases (rs786204492, gnomAD no frequency). This premature translational stop signal has been observed in individuals with achromatopsia (PMID: 15657609, 15712225, 28795510). ClinVar contains an entry for this variant (Variation ID: 188822). For these reasons, this variant has been classified as Pathogenic.

Natera, Inc.
Classification: Pathogenic for Achromatopsia. Last evaluated: 2025-10-02. Review status: criteria provided, single submitter. Criteria: Natera Variant Classification Schema (03/2026). Collection method: clinical testing. Allele origin: germline.
Comment: The c.391C>T variant in CNGB3 is a nonsense variant predicted to introduce a stop codon at amino acid 131. This variant is expected to result in nonsense mediated decay, truncation, or a dysfunctional protein product. This variant is rare in the general population with a frequency below the threshold expected for the associated phenotype(s). This variant has been observed in one or more individuals affected with the associated recessive disease, as either homozygous or compound heterozygous with a second variant (PMID: 15712225, 28795510). Given the available evidence, this variant is classified as Pathogenic.

Fulgent Genetics
Classification: Pathogenic for Achromatopsia 3. Last evaluated: 2024-03-31. Review status: criteria provided, single submitter. Criteria: ACMG Guidelines, 2015. Collection method: clinical testing. Allele origin: germline.

Daryl Scott Lab, Baylor College of Medicine
Classification: Pathogenic for Achromatopsia 3. Last evaluated: 2023-11-10. Review status: criteria provided, single submitter. Criteria: ACMG Guidelines, 2015. Collection method: clinical testing. Allele origin: biparental. Affected: yes. Observed: 1 homozygote.

Blueprint Genetics
Classification: Pathogenic for CNGB3-related disorders. Last evaluated: 2021-12-23. Review status: criteria provided, single submitter. Criteria: ACMG Guidelines, 2015. Collection method: clinical testing. Allele origin: germline. Affected: yes. Observed: 4 variant alleles.

Molecular Genetics Laboratory, Institute for Ophthalmic Research
Classification: Pathogenic for ACHM3. Last evaluated: 2017-03-27. Review status: no assertion criteria provided. Collection method: research. Allele origin: unknown. Affected: yes. Not counted in ClinVar's aggregate classification.

Counsyl
Classification: Likely pathogenic for Achromatopsia 3. Last evaluated: 2014-06-08. Review status: no assertion criteria provided. Collection method: literature only. Allele origin: unknown. Inheritance: Autosomal recessive inheritance. Not counted in ClinVar's aggregate classification.

Literature cited by the submitters: PubMed 28795510 (cited by 3 submitters); PubMed 15657609 (cited by Labcorp Genetics (formerly Invitae), Labcorp and Counsyl); PubMed 15712225 (cited by 3 submitters); PubMed 15459792 (cited by Counsyl).